The following is an entry in ClinVar:

ClinVar aggregate classification (germline): Pathogenic (1 of 4 stars; one submission).

Conditions:
Fetal anomalies with a likely genetic cause.

Submission:

Genetics Laboratory, Great Ormond Street Hospital NHS Foundation Trust, North Thames Genomic Laboratory Hub
Classification: Pathogenic for Fetal anomalies with a likely genetic cause. Last evaluated: 2026-09-17. Review status: criteria provided, single submitter. Criteria: ACGS Best Practice Guidelines for Variant Classification in Rare Disease 2024 v1.2. Collection method: clinical testing. Allele origin: germline. Affected: yes.
Comment: PM2_moderate, PVS1_very-strong

NM_001282860.2(GON4L):c.3174_3175insACCCC (p.Gly1059fs)

Gene: GON4L (gon-4 like; minus strand). Cytogenetic location: 1q22.
Variant type: Insertion.
Coding change: c.3174_3175insACCCC on transcript NM_001282860.2 (MANE Select); coding-DNA positions 3174 to 3175, ACCCC inserted.
Protein change: p.Gly1059fs; shifts the reading frame from glycine 1059.
Molecular consequence: frameshift variant.
Genome position: GRCh38 VCF-style: chr1-155766298-C-CGGGGT. GRCh37 (hg19) VCF-style: chr1-155736089-C-CGGGGT.
Other names: c.3174_3175insACCCC, p.Gly1059fs (NM_001282856.2, NM_001282858.2, NM_001282861.2 and 1 more transcripts); short protein forms G1059fs.
Identifiers: ClinVar variation 5043308 (VCV005043308.1).